The following is an entry in ClinVar:

ClinVar aggregate classification (germline): Likely benign (1 of 4 stars; one submission).

Allele frequency attached by ClinVar (database versions not stated): TOPMed 0.00011; ExAC 0.00012; gnomAD 0.00013; ESP Exome Variant Server 0.00015; 1000 Genomes Project 30x 0.00016; 1000 Genomes Project 0.00020.
gnomAD v4.1: 241 of 1,614,214 alleles (0.015%); highest among the groups gnomAD compares: Non-Finnish European, 0.017%; no homozygotes.

Submission:

CeGaT Center for Human Genetics Tuebingen
Classification: Likely benign. Last evaluated: 2026-01-01. Review status: criteria provided, single submitter. Criteria: CeGaT Center For Human Genetics Tuebingen Variant Classification Criteria Version 2. Collection method: clinical testing. Allele origin: germline. Affected: yes. Observed: 2 variant alleles.
Comment: SATB1: BP4, BP7

NM_002971.6(SATB1):c.120A>G (p.Leu40=)

Gene: SATB1 (SATB homeobox 1; minus strand). Cytogenetic location: 3p24.3.
Variant type: single nucleotide variant.
Coding change: c.120A>G on transcript NM_002971.6 (MANE Select); coding-DNA position 120, A replaced by G.
Protein change: p.Leu40=; no amino-acid change (leucine 40 retained).
Molecular consequence: synonymous variant. On other transcripts: intron variant (1).
Genome position (GRCh38, 1-based): chr3:18,420,848, T>C on the plus strand (A>G on the coding strand, the complement: SATB1 is on the minus strand). VCF-style: chr3-18420848-T-C. GRCh37 (hg19) VCF-style: chr3-18462340-T-C.
Other names: c.120A>G, p.Leu40= (NM_001131010.4, NM_001195470.3, NM_001322871.2 and 4 more transcripts); c.-5-3770A>G (NM_001322876.2).
Identifiers: ClinVar variation 2653620 (VCV002653620.24), dbSNP rs144229002, ClinGen allele CA2282289.